The following is an entry in ClinVar:

NM_206933.4(USH2A):c.9258+3T>C

Gene: USH2A (usherin; minus strand). Cytogenetic location: 1q41.
Variant type: single nucleotide variant.
Coding change: c.9258+3T>C on transcript NM_206933.4 (MANE Select); 3 bases into the intron after coding-DNA position 9258, T replaced by C.
Molecular consequence: intron variant.
Genome position (GRCh38, 1-based): chr1:215,844,291, A>G on the plus strand (T>C on the coding strand, the complement: USH2A is on the minus strand). VCF-style: chr1-215844291-A-G. GRCh37 (hg19) VCF-style: chr1-216017633-A-G.
Identifiers: ClinVar variation 440398 (VCV000440398.13), dbSNP rs1553268427, ClinGen allele CA645509095.

ClinVar aggregate classification (germline): Conflicting classifications of pathogenicity. Review status: criteria provided, conflicting classifications (1 of 4 stars). 2 submissions from 2 submitters: Uncertain significance (1); Likely benign (1). Last evaluated 2019-05-10.

Allele frequency attached by ClinVar (database versions not stated): TOPMed 0.00003.
gnomAD v4.1: 2 of 1,613,232 alleles (0.00012%); no homozygotes.

Submissions (2):

Laboratory for Molecular Medicine, Mass General Brigham Personalized Medicine
Classification: Uncertain significance. Last evaluated: 2019-05-10. Review status: criteria provided, single submitter. Criteria: LMM Criteria. Collection method: clinical testing. Allele origin: germline. Observed: 1 variant allele.
Comment: The c.9258+3T>C variant in USH2A has not been previously reported in individuals with hearing loss or Usher syndrome and was absent from large population studies. This variant has been reported in ClinVar (Variation ID 440398). This variant is located in the 5' splice region. Computational tools do not predict a splicing impact, though this information is not predictive enough to rule out pathogenicity. In summary, the clinical significance of this variant is uncertain. ACMG/AMP Criteria applied: PM2, BP4.

ARUP Laboratories, Molecular Genetics and Genomics, ARUP Laboratories
Classification: Likely benign. Last evaluated: 2017-05-31. Review status: criteria provided, single submitter. Criteria: ARUP Molecular Germline Variant Investigation Process. Collection method: clinical testing. Allele origin: germline.